The following is an entry in ClinVar:

ClinVar aggregate classification (germline): Uncertain significance (1 of 4 stars; one submission).

Conditions:
Early-infantile DEE. Also called: Ohtahara syndrome; Early infantile epileptic encephalopathy with suppression bursts; Early infantile epileptic encephalopathy. Identifiers: Orphanet 1934, MedGen C0393706, MONDO:0800491.

Submission:

Labcorp Genetics (formerly Invitae), Labcorp
Classification: Uncertain significance for Early-infantile DEE. Last evaluated: 2022-09-14. Review status: criteria provided, single submitter. Criteria: Invitae Variant Classification Sherloc (09022015). Collection method: clinical testing. Allele origin: germline.
Comment: This variant has not been reported in the literature in individuals affected with SCN8A-related conditions. In summary, the available evidence is currently insufficient to determine the role of this variant in disease. Therefore, it has been classified as a Variant of Uncertain Significance. Variants that disrupt the consensus splice site are a relatively common cause of aberrant splicing (PMID: 17576681, 9536098). Experimental studies and prediction algorithms are not available or were not evaluated, and the effect of this variant on mRNA splicing is currently unknown. This variant is not present in population databases (gnomAD no frequency). This sequence change falls in intron 6 of the SCN8A gene. It does not directly change the encoded amino acid sequence of the SCN8A protein. It affects a nucleotide within the consensus splice site. The SCN8A gene has multiple clinically relevant transcripts. This variant occurs in alternate transcript NM_001330260.1, and corresponds to NM_014191.3:c.706+252_706+253del in the primary transcript.

Literature cited by the submitters: PubMed 17576681; PubMed 9536098.

NM_001330260.2(SCN8A):c.706+5_706+6del

Gene: SCN8A (sodium voltage-gated channel alpha subunit 8; plus strand). Cytogenetic location: 12q13.13.
Variant type: Microsatellite.
Coding change: c.706+5_706+6del on transcript NM_001330260.2 (MANE Select); bases 5 to 6 of the intron after coding-DNA position 706, 2 bases deleted (GA; older notation c.706+5_706+6delGA).
Molecular consequence: intron variant.
Genome position (GRCh38, 1-based): chr12:51,689,101-51,689,102, GA deleted; deleting any 2 consecutive bases within chr12:51,689,099-51,689,102 gives the same sequence; the c. name uses the placement nearest the transcript's 3' end. VCF-style (leftmost placement, unchanged base first): chr12-51689098-TGA-T. GRCh37 (hg19) VCF-style: chr12-52082882-TGA-T.
Other names: c.706+252_706+253del (NM_014191.4, NM_001177984.3); c.706+5_706+6del (NM_001369788.1).
Identifiers: ClinVar variation 2030320 (VCV002030320.4), dbSNP rs2540159310, ClinGen allele CA2580615196.
Genomic context (GRCh38, chr12:51,689,098, plus strand): 5'-CTCAGCGCTGAGAACATTCAGGGTTCTCCGAGCTTTGAAAACTATCTCTGTAATTCCAGG[TGA>T]GAAAATTTGTACATAAGACTGACTTTGCCACATCTCCTCTTTCTCCTCCATTCGTTTTGT-3'